The following is an entry in ClinVar:

NM_006767.4(LZTR1):c.242_243insGGCCGGGCGCGGTGGCTCACGCCTGTCATCCCAGCACTTGGGGAGGCCGAGGCGGGCGGATCACGAGGNNNNNNNNNNAAAAAAAAAAAAAAAAAAAAAAAGATGCCATTTA (p.Tyr81Ter)

Gene: LZTR1 (leucine zipper like post translational regulator 1; plus strand). Cytogenetic location: 22q11.21.
Variant type: Insertion.
Coding change: c.242_243insGGCCGGGCGCGGTGGCTCACGCCTGTCATCCCAGCACTTGGGGAGGCCGAGGCGGGCGGATCACGAGGNNNNNNNNNNAAAAAAAAAAAAAAAAAAAAAAAGATGCCATTTA on transcript NM_006767.4 (MANE Select); coding-DNA positions 242 to 243, GGCCGGGCGCGGTGGCTCACGCCTGTCATCCCAGCACTTGGGGAGGCCGAGGCGGGCGGATCACGAGGNNNNNNNNNNAAAAAAAAAAAAAAAAAAAAAAAGATGCCATTTA inserted.
Protein change: p.Tyr81Ter; replaces tyrosine 81 with a stop codon.
Molecular consequence: nonsense.
Genome position: GRCh38: chr22:20,983,068-20,983,069. GRCh37 (hg19): chr22:21,337,357-21,337,358.
Other names: short protein forms Y81*.
Identifiers: ClinVar variation 1412195 (VCV001412195.6), dbSNP rs2147957369.

ClinVar aggregate classification (germline): Pathogenic (1 of 4 stars; one submission).

Submission:

Labcorp Genetics (formerly Invitae), Labcorp
Classification: Pathogenic. Last evaluated: 2021-10-16. Review status: criteria provided, single submitter. Criteria: Invitae Variant Classification Sherloc (09022015). Collection method: clinical testing. Allele origin: germline.
Comment: For these reasons, this variant has been classified as Pathogenic. Retrotransposon insertions including LINE1 (L1), Alu, and SVA (SINE-VNTR-Alu) have been reported to be disease-causing through disruption of either a coding region or splice site (PMID: 19763152, 20307669, 22406018) and loss-of-function variants in LZTR1 are known to be pathogenic (PMID: 24362817, 25335493, 25480913, 25795793, 29469822, 30442762, 30442766, 30481304, 30859559). Algorithms developed to predict the effect of sequence changes on RNA splicing suggest that this variant may create or strengthen a splice site. This variant has not been reported in the literature in individuals affected with LZTR1-related conditions. This variant is not present in population databases (gnomAD no frequency). This sequence change inserts a large fragment of DNA, likely a transposable element, in exon 2 of the LZTR1 gene (c.242_243ins?), causing a frameshift at codon 81 (p.Tyr81fs). The exact size and sequence of the insertion cannot be determined by the current assay. However, the insertion is expected to result in an absent or disrupted protein product.

Literature cited by the submitters: PubMed 19763152; PubMed 20307669; PubMed 22406018; PubMed 24362817; PubMed 25335493; PubMed 25480913; PubMed 25795793; PubMed 29469822; PubMed 30442762; PubMed 30442766; PubMed 30481304; PubMed 30859559.